The following is an entry in ClinVar:

NM_022168.4(IFIH1):c.1165G>A (p.Gly389Arg)

Gene: IFIH1 (interferon induced with helicase C domain 1; minus strand). Cytogenetic location: 2q24.2.
Variant type: single nucleotide variant.
Coding change: c.1165G>A on transcript NM_022168.4 (MANE Select); coding-DNA position 1165, G replaced by A.
Protein change: p.Gly389Arg; replaces glycine 389 with arginine.
Molecular consequence: missense variant.
Genome position (GRCh38, 1-based): chr2:162,282,507, C>T on the plus strand (G>A on the coding strand, the complement: IFIH1 is on the minus strand). VCF-style: chr2-162282507-C-T. GRCh37 (hg19) VCF-style: chr2-163139017-C-T.
Other names: short protein forms G389R.
Identifiers: ClinVar variation 812524 (VCV000812524.30), dbSNP rs1576227162, ClinGen allele CA349002944.

ClinVar aggregate classification (germline): Likely pathogenic. Review status: criteria provided, single submitter (1 of 4 stars). 2 submissions from 2 submitters: Likely pathogenic (1). 1 of the submissions does not count toward it. Last evaluated 2023-03-01.

Conditions:
Aicardi-Goutieres syndrome 7 (AGS7). Identifiers: Orphanet 51, MedGen C3888244, MONDO:0014367, OMIM 615846.

Submissions (2):

CeGaT Center for Human Genetics Tuebingen
Classification: Likely pathogenic. Last evaluated: 2023-03-01. Review status: criteria provided, single submitter. Criteria: CeGaT Center For Human Genetics Tuebingen Variant Classification Criteria Version 2. Collection method: clinical testing. Allele origin: germline. Affected: yes. Observed: 1 variant allele.
Comment: IFIH1: PS2, PM2, PS3:Supporting, BP4

Laboratory of Neurogenetics and Neuroinflammation, Institut Imagine
Classification: Pathogenic for Aicardi-Goutieres syndrome 7. Last evaluated: 2019-06-11. Review status: no assertion criteria provided. Collection method: clinical testing. Allele origin: germline. Affected: yes. Observed: 3 variant alleles. Not counted in ClinVar's aggregate classification.

Literature cited by the submitters: PubMed 31898846 (cited by Laboratory of Neurogenetics and Neuroinflammation, Institut Imagine).